The following is an entry in ClinVar:

NM_170707.4(LMNA):c.275T>C (p.Leu92Pro)

Gene: LMNA (lamin A/C; plus strand). Cytogenetic location: 1q22.
Variant type: single nucleotide variant.
Coding change: c.275T>C on transcript NM_170707.4 (MANE Select); coding-DNA position 275, T replaced by C.
Protein change: p.Leu92Pro; replaces leucine 92 with proline.
Molecular consequence: missense variant.
Genome position (GRCh38, 1-based): chr1:156,115,193, T>C. VCF-style: chr1-156115193-T-C. GRCh37 (hg19) VCF-style: chr1-156084984-T-C.
Other names: c.275T>C, p.Leu92Pro (NM_001282625.2, NM_001282626.2, NM_005572.4 and 1 more transcripts); short protein forms L92P.
Identifiers: ClinVar variation 1071935 (VCV001071935.9), dbSNP rs2102818731, ClinGen allele CA342808568.
Genomic context (GRCh38, chr1:156,115,193, plus strand): 5'-GCGAGGTGTCCGGCATCAAGGCCGCCTACGAGGCCGAGCTCGGGGATGCCCGCAAGACCC[T>C]TGACTCAGTAGCCAAGGAGCGCGCCCGCCTGCAGCTGGAGCTGAGCAAAGTGCGTGAGGA-3'
Protein context (NP_733821.1, residues 82-102): EAELGDARKT[Leu92Pro]DSVAKERARL

ClinVar aggregate classification (germline): Pathogenic (1 of 4 stars; one submission).

Conditions:
Charcot-Marie-Tooth disease type 2. Also called: Charcot-Marie-Tooth type 2. Identifiers: Orphanet 64746, MedGen C0270914, MONDO:0018993.

Submission:

Labcorp Genetics (formerly Invitae), Labcorp
Classification: Pathogenic for Charcot-Marie-Tooth disease type 2. Last evaluated: 2021-06-24. Review status: criteria provided, single submitter. Criteria: Invitae Variant Classification Sherloc (09022015). Collection method: clinical testing. Allele origin: germline.
Comment: This variant is not present in population databases (ExAC no frequency). This variant has been observed in individual(s) with dilated cardiomyopathy (Invitae). In at least one individual the variant was observed to be de novo. Algorithms developed to predict the effect of missense changes on protein structure and function (SIFT, PolyPhen-2, Align-GVGD) all suggest that this variant is likely to be disruptive, but these predictions have not been confirmed by published functional studies and their clinical significance is uncertain. This variant disrupts the p.Leu92 amino acid residue in LMNA. Other variant(s) that disrupt this residue have been observed in individuals with LMNA-related conditions (PMID: 17711925, 21846512, Invitae), which suggests that this may be a clinically significant amino acid residue. For these reasons, this variant has been classified as Pathogenic. This sequence change replaces leucine with proline at codon 92 of the LMNA protein (p.Leu92Pro). The leucine residue is highly conserved and there is a moderate physicochemical difference between leucine and proline.

Literature cited by the submitters: PubMed 17711925; PubMed 21846512.